The following is an entry in ClinVar:

NM_020975.6(RET):c.1046C>A (p.Ala349Glu)

Gene: RET (ret proto-oncogene; plus strand). Cytogenetic location: 10q11.21.
Variant type: single nucleotide variant.
Coding change: c.1046C>A on transcript NM_020975.6 (MANE Select); coding-DNA position 1046, C replaced by A.
Protein change: p.Ala349Glu; replaces alanine 349 with glutamic acid.
Molecular consequence: missense variant. On other transcripts: intron variant (25).
Genome position (GRCh38, 1-based): chr10:43,106,554, C>A. VCF-style: chr10-43106554-C-A. GRCh37 (hg19) VCF-style: chr10-43602002-C-A.
Other names: c.284C>A, p.Ala95Glu (NM_001355216.2); c.1046C>A, p.Ala349Glu (NM_001406743.1, NM_001406744.1, NM_001406759.1 and 4 more transcripts); c.917C>A, p.Ala306Glu (NM_001406761.1, NM_001406762.1, NM_001406764.1 and 1 more transcripts); c.758C>A, p.Ala253Glu (NM_001406766.1, NM_001406767.1, NM_001406770.1); c.867+1361C>A (NM_001406772.1, NM_001406769.1); c.626-2477C>A (NM_001406773.1, NM_001406771.1); c.625+3925C>A (NM_001406782.1, NM_001406780.1, NM_001406779.1 and 3 more transcripts); c.738+1361C>A (NM_001406774.1); and 5 more; short protein forms A306E, A95E, A253E, A349E.
Identifiers: ClinVar variation 3432282 (VCV003432282.3).

ClinVar aggregate classification (germline): Uncertain significance. Review status: criteria provided, multiple submitters, no conflicts (2 of 4 stars). 2 submissions from 2 submitters: Uncertain significance (2). Last evaluated 2025-01-23.

Conditions:
Hereditary cancer-predisposing syndrome. Also called: Neoplastic Syndromes, Hereditary; Tumor predisposition; Hereditary Cancer Syndrome; Hereditary neoplastic syndrome. Identifiers: Orphanet 140162, MedGen C0027672, MeSH D009386, MONDO:0015356.
Multiple endocrine neoplasia, type 2 (MEN2). Identifiers: Orphanet 653, MedGen C4048306, MONDO:0019003. Disease mechanism: gain of function.

Submissions (2):

Labcorp Genetics (formerly Invitae), Labcorp
Classification: Uncertain significance for Multiple endocrine neoplasia, type 2. Last evaluated: 2025-01-23. Review status: criteria provided, single submitter. Criteria: Invitae Variant Classification Sherloc (09022015). Collection method: clinical testing. Allele origin: germline.
Comment: This sequence change replaces alanine, which is neutral and non-polar, with glutamic acid, which is acidic and polar, at codon 349 of the RET protein (p.Ala349Glu). This variant is not present in population databases (gnomAD no frequency). This variant has not been reported in the literature in individuals affected with RET-related conditions. An algorithm developed to predict the effect of missense changes on protein structure and function (PolyPhen-2) suggests that this variant is likely to be tolerated. In summary, the available evidence is currently insufficient to determine the role of this variant in disease. Therefore, it has been classified as a Variant of Uncertain Significance.

Ambry Genetics
Classification: Uncertain significance for Hereditary cancer-predisposing syndrome. Last evaluated: 2024-10-20. Review status: criteria provided, single submitter. Criteria: Ambry Variant Classification Scheme 2023. Collection method: clinical testing. Allele origin: germline.
Comment: The p.A349E variant (also known as c.1046C>A), located in coding exon 5 of the RET gene, results from a C to A substitution at nucleotide position 1046. The alanine at codon 349 is replaced by glutamic acid, an amino acid with dissimilar properties. This amino acid position is conserved. In addition, the in silico prediction for this alteration is inconclusive. Based on the available evidence, the clinical significance of this variant remains unclear.